The following is an entry in ClinVar:

NM_015041.3(CLUAP1):c.967G>A (p.Glu323Lys)

Gene: CLUAP1 (clusterin associated protein 1; plus strand). Cytogenetic location: 16p13.3.
Variant type: single nucleotide variant.
Coding change: c.967G>A on transcript NM_015041.3 (MANE Select); coding-DNA position 967, G replaced by A.
Protein change: p.Glu323Lys; replaces glutamic acid 323 with lysine.
Molecular consequence: missense variant.
Genome position (GRCh38, 1-based): chr16:3,530,606, G>A. VCF-style: chr16-3530606-G-A. GRCh37 (hg19) VCF-style: chr16-3580606-G-A.
Other names: c.967G>A, p.Glu323Lys (NM_001330454.2); c.469G>A, p.Glu157Lys (NM_024793.3); short protein forms E157K, E323K.
Identifiers: ClinVar variation 2074587 (VCV002074587.4), dbSNP rs368055418, ClinGen allele CA394515512.
Genomic context (GRCh38, chr16:3,530,606, plus strand): 5'-TGCCTGCTTGTGTTCCTGCTAGGTAACGATGACTCGGACATAGACATCCAGGAGGACGAT[G>A]AATCCGACAGTGAGTTGGAAGAAAGGCGGCTGCCCAAGCCACAGACAGCCATGGAGATGC-3'
Protein context (NP_055856.1, residues 313-333): DSDIDIQEDD[Glu323Lys]SDSELEERRL

ClinVar aggregate classification (germline): Uncertain significance (1 of 4 stars; one submission).

Submission:

Labcorp Genetics (formerly Invitae), Labcorp
Classification: Uncertain significance. Last evaluated: 2022-03-09. Review status: criteria provided, single submitter. Criteria: Invitae Variant Classification Sherloc (09022015). Collection method: clinical testing. Allele origin: germline.
Comment: In summary, the available evidence is currently insufficient to determine the role of this variant in disease. Therefore, it has been classified as a Variant of Uncertain Significance. Algorithms developed to predict the effect of missense changes on protein structure and function (SIFT, PolyPhen-2, Align-GVGD) all suggest that this variant is likely to be tolerated. This variant has not been reported in the literature in individuals affected with CLUAP1-related conditions. This variant is not present in population databases (gnomAD no frequency). This sequence change replaces glutamic acid, which is acidic and polar, with lysine, which is basic and polar, at codon 323 of the CLUAP1 protein (p.Glu323Lys).